The following is an entry in ClinVar:

NM_000292.3(PHKA2):c.1715-7T>C

Gene: PHKA2 (phosphorylase kinase regulatory subunit alpha 2; minus strand). Cytogenetic location: Xp22.13.
Variant type: single nucleotide variant.
Coding change: c.1715-7T>C on transcript NM_000292.3 (MANE Select); 7 bases into the intron before coding-DNA position 1715, T replaced by C.
Molecular consequence: intron variant.
Genome position (GRCh38, 1-based): chrX:18,924,141, A>G on the plus strand (T>C on the coding strand, the complement: PHKA2 is on the minus strand). VCF-style: chrX-18924141-A-G. GRCh37 (hg19) VCF-style: chrX-18942259-A-G.
Identifiers: ClinVar variation 508309 (VCV000508309.1), dbSNP rs779269914, ClinGen allele CA10361803.
Genomic context (GRCh38, chrX:18,924,141, plus strand): 5'-CTAGTTTTCTAATTGTGGAGAGCACAGCAGAATGAATGTCTGAGCCATCATTTGCTAAGG[A>G]AAAAAAGTGATGAATTAGTTTAGTCTGGGCAGACTTTTTTTCCGTTATGCACTGAAACAT-3'

ClinVar aggregate classification (germline): Likely benign (1 of 4 stars; one submission).

Allele frequency attached by ClinVar (database versions not stated): gnomAD below 0.00001 and 0.00002; ExAC 0.00001; gnomAD exomes 0.00001.

Submission:

GeneDx
Classification: Likely benign. Last evaluated: 2017-04-07. Review status: criteria provided, single submitter. Criteria: GeneDx Variant Classification (06012015). Collection method: clinical testing. Allele origin: germline. Affected: yes.
Comment: This variant is considered likely benign or benign based on one or more of the following criteria: it is a conservative change, it occurs at a poorly conserved position in the protein, it is predicted to be benign by multiple in silico algorithms, and/or has population frequency not consistent with disease.